The following is an entry in ClinVar:

ClinVar aggregate classification (germline): Uncertain significance (1 of 4 stars; one submission).

Submission:

CeGaT Center for Human Genetics Tuebingen
Classification: Uncertain significance. Last evaluated: 2023-09-01. Review status: criteria provided, single submitter. Criteria: CeGaT Center For Human Genetics Tuebingen Variant Classification Criteria Version 2. Collection method: clinical testing. Allele origin: germline. Affected: yes. Observed: 1 variant allele.
Comment: IQSEC2: PM2, BP4, BP5

NM_001111125.3(IQSEC2):c.-6G>A

Gene: IQSEC2 (IQ motif and Sec7 domain ArfGEF 2; minus strand). Cytogenetic location: Xp11.22.
Variant type: single nucleotide variant.
Coding change: c.-6G>A on transcript NM_001111125.3 (MANE Select); 6 bases upstream of the start codon, G replaced by A.
Molecular consequence: 5 prime UTR variant.
Genome position (GRCh38, 1-based): chrX:53,321,129, C>T on the plus strand (G>A on the coding strand, the complement: IQSEC2 is on the minus strand). VCF-style: chrX-53321129-C-T. GRCh37 (hg19) VCF-style: chrX-53350327-C-T.
Other names: c.-6G>A (NM_001410736.1).
Identifiers: ClinVar variation 2583081 (VCV002583081.25), dbSNP rs1262232030, ClinGen allele CA2579615449.